The following is an entry in ClinVar:

ClinVar aggregate classification (germline): Uncertain significance (1 of 4 stars; one submission).

Submission:

GeneDx
Classification: Uncertain significance. Last evaluated: 2024-07-01. Review status: criteria provided, single submitter. Criteria: GeneDx Variant Classification Process June 2021. Collection method: clinical testing. Allele origin: germline. Affected: yes.
Comment: Not observed at significant frequency in large population cohorts (gnomAD); Has not been previously published as pathogenic or benign to our knowledge; Frameshift variant predicted to result in protein truncation or nonsense mediated decay in a gene for which loss-of-function is not an established mechanism of disease

NM_001303457.2(TTI1):c.2401_2405del (p.Lys801fs)

Gene: TTI1 (TELO2 interacting protein 1; minus strand). Cytogenetic location: 20q11.23.
Variant type: Deletion.
Coding change: c.2401_2405del on transcript NM_001303457.2 (MANE Select); coding-DNA positions 2401 to 2405, 5 bases deleted (AAGAG; older notation c.2401_2405delAAGAG).
Protein change: p.Lys801fs; shifts the reading frame from lysine 801.
Molecular consequence: frameshift variant.
Genome position (GRCh38, 1-based): chr20:38,006,295-38,006,299, CTCTT deleted on the plus strand (AAGAG on the coding strand, the reverse complement: TTI1 is on the minus strand); deleting any 5 consecutive bases within chr20:38,006,295-38,006,302 gives the same sequence; the c. name uses the placement nearest the transcript's 3' end. VCF-style (leftmost placement, unchanged base first): chr20-38006294-GCTCTT-G. GRCh37 (hg19) VCF-style: chr20-36634696-GCTCTT-G.
Other names: c.2401_2405del, p.Lys801fs (NM_014657.3); short protein forms K801fs.
Identifiers: ClinVar variation 3393786 (VCV003393786.1).